The following is an entry in ClinVar:

NM_007325.5(GRIA3):c.964C>T (p.Arg322Cys)

Gene: GRIA3 (glutamate ionotropic receptor AMPA type subunit 3; plus strand). Cytogenetic location: Xq25.
Variant type: single nucleotide variant.
Coding change: c.964C>T on transcript NM_007325.5 (MANE Select); coding-DNA position 964, C replaced by T.
Protein change: p.Arg322Cys; replaces arginine 322 with cysteine.
Molecular consequence: missense variant.
Genome position (GRCh38, 1-based): chrX:123,398,687, C>T. VCF-style: chrX-123398687-C-T. GRCh37 (hg19) VCF-style: chrX-122532538-C-T.
Other names: c.964C>T, p.Arg322Cys (NM_000828.5); c.964C>T (NM_000828.4); short protein forms R322C.
Identifiers: ClinVar variation 2047331 (VCV002047331.6), dbSNP rs2521156164, ClinGen allele CA414258099.

ClinVar aggregate classification (germline): Uncertain significance. Review status: criteria provided, multiple submitters, no conflicts (2 of 4 stars). 3 submissions from 3 submitters: Uncertain significance (3). Last evaluated 2025-11-28.

Conditions:
GRIA3-related disorder. Also called: GRIA3-related condition.
Inborn genetic diseases. Identifiers: MedGen C0950123, MeSH D030342.

Submissions (3):

Labcorp Genetics (formerly Invitae), Labcorp
Classification: Uncertain significance. Last evaluated: 2025-11-28. Review status: criteria provided, single submitter. Criteria: Invitae Variant Classification Sherloc (09022015). Collection method: clinical testing. Allele origin: germline.
Comment: This sequence change replaces arginine, which is basic and polar, with cysteine, which is neutral and slightly polar, at codon 322 of the GRIA3 protein (p.Arg322Cys). This variant is not present in population databases (gnomAD no frequency). This variant has not been reported in the literature in individuals affected with GRIA3-related conditions. ClinVar contains an entry for this variant (Variation ID: 2047331). Invitae Evidence Modeling of protein sequence and biophysical properties (such as structural, functional, and spatial information, amino acid conservation, physicochemical variation, residue mobility, and thermodynamic stability) indicates that this missense variant is not expected to disrupt GRIA3 protein function with a negative predictive value of 80%. In summary, the available evidence is currently insufficient to determine the role of this variant in disease. Therefore, it has been classified as a Variant of Uncertain Significance.

Ambry Genetics
Classification: Uncertain significance for Inborn genetic diseases. Last evaluated: 2025-11-26. Review status: criteria provided, single submitter. Criteria: Ambry Variant Classification Scheme 2023. Collection method: clinical testing. Allele origin: germline.

PreventionGenetics, part of Exact Sciences
Classification: Uncertain significance for GRIA3-related condition. Last evaluated: 2024-12-11. Review status: criteria provided, single submitter. Criteria: ACMG Guidelines, 2015. Collection method: clinical testing. Allele origin: germline.
Comment: The GRIA3 c.964C>T variant is predicted to result in the amino acid substitution p.Arg322Cys. To our knowledge, this variant has not been reported in the literature or in a large population database, indicating this variant is rare. At this time, the clinical significance of this variant is uncertain due to the absence of conclusive functional and genetic evidence.